The following is an entry in ClinVar:

NM_012426.5(SF3B3):c.1501G>T (p.Gly501Trp)

Gene: SF3B3 (splicing factor 3b subunit 3; plus strand). Cytogenetic location: 16q22.1.
Variant type: single nucleotide variant.
Coding change: c.1501G>T on transcript NM_012426.5 (MANE Select); coding-DNA position 1501, G replaced by T.
Protein change: p.Gly501Trp; replaces glycine 501 with tryptophan.
Molecular consequence: missense variant.
Genome position (GRCh38, 1-based): chr16:70,554,544, G>T. VCF-style: chr16-70554544-G-T. GRCh37 (hg19) VCF-style: chr16-70588447-G-T.
Other names: short protein forms G501W.
Identifiers: ClinVar variation 161663 (VCV000161663.2), dbSNP rs193921118, ClinGen allele CA174554.

ClinVar aggregate classification (germline): Uncertain significance (0 of 4 stars; one submission).

Conditions:
Prostate cancer. Also called: Malignant tumor of prostate. Identifiers: Orphanet 1331, MedGen C0376358, MONDO:0008315, HP:0012125.

Submission:

Science for Life laboratory,  Karolinska Institutet
Classification: Uncertain significance for Malignant tumor of prostate. Review status: no assertion criteria provided. Collection method: not provided. Allele origin: somatic.
Comment: TumorID:SWE-92A
ClinVar note: Converted during submission from Unknown to Uncertain significance.